The following is an entry in ClinVar:

ClinVar aggregate classification (germline): Pathogenic (1 of 4 stars; one submission).

Conditions:
Meckel-Gruber syndrome. Also called: Dysencephalia splachnocystica; DYSENCEPHALIA SPLANCHNOCYSTICA; GRUBER SYNDROME. Identifiers: Orphanet 564, MedGen C0265215, MONDO:0018921.
Joubert syndrome. Also called: Familial aplasia of the vermis; CEREBELLOPARENCHYMAL DISORDER IV; JOUBERT-BOLTSHAUSER SYNDROME. Identifiers: Orphanet 475, MedGen C5979921, MONDO:0018772.

Submission:

Labcorp Genetics (formerly Invitae), Labcorp
Classification: Pathogenic for Joubert syndrome; Meckel-Gruber syndrome. Last evaluated: 2021-10-18. Review status: criteria provided, single submitter. Criteria: Invitae Variant Classification Sherloc (09022015). Collection method: clinical testing. Allele origin: germline.
Comment: This sequence change creates a premature translational stop signal (p.Thr785Ilefs*9) in the RPGRIP1L gene. It is expected to result in an absent or disrupted protein product. Loss-of-function variants in RPGRIP1L are known to be pathogenic (PMID: 17558409). The frequency data for this variant in the population databases is not available, as this variant may be reported as separate entries in the ExAC database. This variant has not been reported in the literature in individuals affected with RPGRIP1L-related conditions. ClinVar contains an entry for this variant (Variation ID: 968161). For these reasons, this variant has been classified as Pathogenic.

Literature cited by the submitters: PubMed 17558409.

NM_015272.5(RPGRIP1L):c.2354_2367delinsTTAC (p.Thr785fs)

Gene: RPGRIP1L (RPGRIP1 like; minus strand). Cytogenetic location: 16q12.2.
Variant type: Indel.
Coding change: c.2354_2367delinsTTAC on transcript NM_015272.5 (MANE Select); coding-DNA positions 2354 to 2367, CAGATGGCAACTTA replaced by TTAC.
Protein change: p.Thr785fs; shifts the reading frame from threonine 785.
Molecular consequence: frameshift variant.
Genome position (GRCh38, 1-based): chr16:53,645,941-53,645,954, TAAGTTGCCATCTG replaced by GTAA on the plus strand (CAGATGGCAACTTA replaced by TTAC on the coding strand, the reverse complement: RPGRIP1L is on the minus strand). VCF-style: chr16-53645941-TAAGTTGCCATCTG-GTAA. GRCh37 (hg19) VCF-style: chr16-53679853-TAAGTTGCCATCTG-GTAA.
Other names: c.2354_2367delinsTTAC, p.Thr785fs (NM_001127897.4, NM_001308334.3, NM_001330538.2); short protein forms T785fs.
Identifiers: ClinVar variation 968161 (VCV000968161.6), dbSNP rs1966516920, ClinGen allele CA1139664699.
Genomic context (GRCh38, chr16:53,645,941, plus strand): 5'-CAGGTGGCTTGCTCGGGACTGCAGGTGGTTGCAACATCTTATTGTAATGTGAAGTTCATT[TAAGTTGCCATCTG>GTAA]TGGAATCTGTAGAACTGAGTTGAGCAGTTTTGGGTGCTTGCTGACTTAACTGGAAAAACA-3'